The following is an entry in ClinVar:

ClinVar aggregate classification (germline): Conflicting classifications of pathogenicity. Review status: criteria provided, conflicting classifications (1 of 4 stars). 11 submissions from 11 submitters: Uncertain significance (1); Benign (1); Likely benign (5). 4 of the submissions do not count toward it. Last evaluated 2026-07-20.

Conditions:
CNGB3-related disorder. Also called: CNGB3-related disorders; CNGB3-related condition. Identifiers: MedGen CN239340.
Achromatopsia. Also called: Rod monochromatism. Identifiers: Orphanet 49382, MedGen C0152200, MONDO:0018852, HP:0011516.
Achromatopsia 3 (ACHM3). Also called: ACHROMATOPSIA WITH MYOPIA; PINGELAPESE BLINDNESS; TOTAL COLORBLINDNESS WITH MYOPIA; ROD MONOCHROMACY 1; ROD MONOCHROMATISM 1. Identifiers: Orphanet 49382, MedGen C1849792, MONDO:0009875, OMIM 262300.
Severe early-childhood-onset retinal dystrophy (STGD1). Also called: Stargardt macular dystrophy; Juvenile onset macular degeneration; Stargardt disease 1; MACULAR DYSTROPHY WITH FLECKS, TYPE 1; STGD. Identifiers: Orphanet 364055, Orphanet 827, MedGen C1855465, MeSH D000080362, MONDO:0009549, OMIM 248200.

Allele frequency attached by ClinVar (database versions not stated): 1000 Genomes Project 30x 0.00234; gnomAD 0.00248; TOPMed 0.00256; 1000 Genomes Project 0.00280.
gnomAD v4.1: 695 of 1,614,036 alleles (0.043%); highest among the groups gnomAD compares: African/African-American, 0.82%; 1 homozygote.

Submissions (11):

PreventionGenetics, part of Exact Sciences
Classification: Uncertain significance for CNGB3-related condition. Last evaluated: 2026-07-20. Review status: criteria provided, single submitter. Criteria: ACMG Guidelines, 2015. Collection method: clinical testing. Allele origin: germline.
Comment: The CNGB3 c.1405T>G variant is predicted to result in the amino acid substitution p.Tyr469Asp. This variant has also been reported in an individual with achromatopsia, but a second pathogenic variant was not detected (Mayer et al. 2017. PubMed ID: 28795510). A functional study using protein expression in cells found that this variant results in abnormally elevated CNG channel activity, which may lead to photoreceptor dysfunction and cause retinal degeneration (Meighan et al. 2015. PubMed ID: 26106334). However, this variant is reported in 0.84% of alleles in individuals of African descent in gnomAD, including one homozygote, which is more frequent than expected for a fully-penetrant, pathogenic variant. This variant has been classified as uncertain, likely benign, and benign by different submitters to the ClinVar database (ID: 5227). Given the conflicting evidence, the clinical significance of this variant is uncertain at this time.

Labcorp Genetics (formerly Invitae), Labcorp
Classification: Benign. Last evaluated: 2026-02-04. Review status: criteria provided, single submitter. Criteria: Invitae Variant Classification Sherloc (09022015). Collection method: clinical testing. Allele origin: germline.

Blueprint Genetics
Classification: Likely benign. Last evaluated: 2024-11-26. Review status: criteria provided, single submitter. Criteria: ACMG Guidelines, 2015. Collection method: clinical testing. Allele origin: germline.

Laboratory for Molecular Medicine, Mass General Brigham Personalized Medicine
Classification: Likely benign. Last evaluated: 2024-02-05. Review status: criteria provided, single submitter. Criteria: ACMG Guidelines, 2015. Collection method: clinical testing. Allele origin: germline.
Comment: The p.Tyr469Asp variant in CNGB3 is classified as likely benign because it has been identified in 0.8% (347/41448) of African chromosomes, including 1 homozygote by gnomAD. ACMG/AMP Criteria applied: BS1.

CeGaT Center for Human Genetics Tuebingen
Classification: Likely benign. Last evaluated: 2024-02-01. Review status: criteria provided, single submitter. Criteria: CeGaT Center For Human Genetics Tuebingen Variant Classification Criteria Version 2. Collection method: clinical testing. Allele origin: germline. Affected: yes. Observed: 1 variant allele.
Comment: CNGB3: BS2

Women's Health and Genetics/Laboratory Corporation of America, LabCorp
Classification: Likely benign. Last evaluated: 2023-12-11. Review status: criteria provided, single submitter. Criteria: LabCorp Variant Classification Summary - May 2015. Collection method: clinical testing. Allele origin: germline.
Comment: Variant summary: CNGB3 c.1405T>G (p.Tyr469Asp) results in a non-conservative amino acid change in the encoded protein sequence. Four of five in-silico tools predict a damaging effect of the variant on protein function. The variant allele was found at a frequency of 0.00059 in 251070 control chromosomes, predominantly at a frequency of 0.0082 within the African or African-American subpopulation in the gnomAD database, including 1 homozygote. The observed variant frequency within African or African-American control individuals in the gnomAD database is approximately 1.64 fold of the estimated maximal expected allele frequency for a pathogenic variant in CNGB3 causing Achromatopsia phenotype (0.005), suggesting that the variant is a benign polymorphism found primarily in populations of African or African-American origin. c.1405T>G has been reported in the literature in settings of limited gene panel testing in heterozygous individuals with no reported second variant affected with achromatopsia (e.g. Mayer_2017, Weisschuh_2020), in at least one compound heterozygous individual affected with macular degeneration (e.g. Sun_2020, Nishiguchi_2005), or by WES in a heterozygous individual affected with severe Retinitis Pigmentosa (e.g. Ganapathi_2022). These report(s) do not provide unequivocal conclusions about association of the variant with Achromatopsia. One publication reports experimental evidence evaluating an impact on protein function, suggesting the variant may enhance the intrinsic (ligand independent) gating properties of CNG channels in vitro, however, additional evidence is necessary to allow convincing conclusions about the variant effect in disease (e.g. Meighan_2015). The following publications have been ascertained in the context of this evaluation (PMID: 35672425, 28795510, 26106334, 15712225, 32913385, 31544997). Five submitters have cited clinical-significance assessments for this variant to ClinVar after 2014, classifying the variant as benign (n=2), likely benign (n=1), uncertain significance (n=1), or likely pathogenic (n=1). Based on the conflicting evidence outlined above, the variant was classified as likely benign.

Eurofins Ntd Llc (ga)
Classification: Likely benign. Last evaluated: 2016-02-22. Review status: criteria provided, single submitter. Criteria: EGL Classification Definitions 2015. Collection method: clinical testing. Allele origin: germline. Observed: 1 variant allele, 1 heterozygote.

Natera, Inc.
Classification: Benign for Achromatopsia. Last evaluated: 2020-01-08. Review status: no assertion criteria provided. Collection method: clinical testing. Allele origin: germline. Not counted in ClinVar's aggregate classification.

Counsyl
Classification: Uncertain significance for Achromatopsia 3. Last evaluated: 2017-09-19. Review status: no assertion criteria provided. Collection method: clinical testing. Allele origin: unknown. Not counted in ClinVar's aggregate classification.

Molecular Genetics Laboratory, Institute for Ophthalmic Research
Classification: Likely pathogenic for ACHM3. Last evaluated: 2017-03-27. Review status: no assertion criteria provided. Collection method: research. Allele origin: unknown. Affected: yes. Not counted in ClinVar's aggregate classification.

OMIM
Classification: Uncertain significance for RECLASSIFIED - VARIANT OF UNKNOWN SIGNIFICANCE. Last evaluated: 2005-03-01. Review status: no assertion criteria provided. Collection method: literature only. Allele origin: germline. Not counted in ClinVar's aggregate classification.

Literature cited by the submitters: PubMed 35672425 (cited by Women's Health and Genetics/Laboratory Corporation of America, LabCorp); PubMed 28795510 (cited by 3 submitters); PubMed 32913385 (cited by Women's Health and Genetics/Laboratory Corporation of America, LabCorp); PubMed 26106334 (cited by Women's Health and Genetics/Laboratory Corporation of America, LabCorp and Counsyl); PubMed 15712225 (cited by 4 submitters); PubMed 31544997 (cited by Women's Health and Genetics/Laboratory Corporation of America, LabCorp); PubMed 25474149 (cited by Counsyl); Hamosh, A. Personal Communication. 2020. Baltimore, Md. (cited by OMIM).

NM_019098.5(CNGB3):c.1405T>G (p.Tyr469Asp)

Gene: CNGB3 (cyclic nucleotide gated channel subunit beta 3; minus strand). Cytogenetic location: 8q21.3.
Variant type: single nucleotide variant.
Coding change: c.1405T>G on transcript NM_019098.5 (MANE Select); coding-DNA position 1405, T replaced by G.
Protein change: p.Tyr469Asp; replaces tyrosine 469 with aspartic acid.
Molecular consequence: missense variant.
Genome position (GRCh38, 1-based): chr8:86,628,994, A>C on the plus strand (T>G on the coding strand, the complement: CNGB3 is on the minus strand). VCF-style: chr8-86628994-A-C. GRCh37 (hg19) VCF-style: chr8-87641222-A-C.
Other names: short protein forms Y469D.
Identifiers: ClinVar variation 5227 (VCV000005227.41), dbSNP rs35365413, ClinGen allele CA340372.